The following is an entry in ClinVar:

NM_000548.5(TSC2):c.4741C>A (p.Leu1581Ile)

Gene: TSC2 (TSC complex subunit 2; plus strand). Cytogenetic location: 16p13.3.
Variant type: single nucleotide variant.
Coding change: c.4741C>A on transcript NM_000548.5 (MANE Select); coding-DNA position 4741, C replaced by A.
Protein change: p.Leu1581Ile; replaces leucine 1581 with isoleucine.
Molecular consequence: missense variant.
Genome position (GRCh38, 1-based): chr16:2,086,271, C>A. VCF-style: chr16-2086271-C-A. GRCh37 (hg19) VCF-style: chr16-2136272-C-A.
Other names: c.4633C>A, p.Leu1545Ile (NM_001406667.1); c.4630C>A, p.Leu1544Ile (NM_001406668.1); c.4561C>A, p.Leu1521Ile (NM_001406670.1); c.4531C>A, p.Leu1511Ile (NM_001406671.1); c.4528C>A, p.Leu1510Ile (NM_001406673.1); c.4525C>A, p.Leu1509Ile (NM_001406675.1); c.4522C>A, p.Leu1508Ile (NM_001406676.1); c.4483C>A, p.Leu1495Ile (NM_001406677.1); and 26 more; short protein forms L1067I, L1090I, L1357I, L1361I, L1465I, L1511I, L1537I, L1555I.
Identifiers: ClinVar variation 2104332 (VCV002104332.5), dbSNP rs2151572466, ClinGen allele CA394307648.

ClinVar aggregate classification (germline): Uncertain significance. Review status: criteria provided, multiple submitters, no conflicts (2 of 4 stars). 2 submissions from 2 submitters: Uncertain significance (2). Last evaluated 2025-03-24.

Conditions:
Tuberous sclerosis 2 (TSC2). Identifiers: Orphanet 805, MedGen C1860707, MONDO:0013199, OMIM 613254.
Hereditary cancer-predisposing syndrome. Also called: Hereditary Cancer Syndrome; Tumor predisposition; Neoplastic Syndromes, Hereditary; Hereditary neoplastic syndrome. Identifiers: Orphanet 140162, MedGen C0027672, MeSH D009386, MONDO:0015356.

Submissions (2):

Ambry Genetics
Classification: Uncertain significance for Hereditary cancer-predisposing syndrome. Last evaluated: 2025-03-24. Review status: criteria provided, single submitter. Criteria: Ambry Variant Classification Scheme 2023. Collection method: clinical testing. Allele origin: germline.
Comment: The p.L1581I variant (also known as c.4741C>A), located in coding exon 36 of the TSC2 gene, results from a C to A substitution at nucleotide position 4741. The leucine at codon 1581 is replaced by isoleucine, an amino acid with highly similar properties. This amino acid position is conserved. In addition, this alteration is predicted to be deleterious by in silico analysis. Based on the available evidence, the clinical significance of this variant remains unclear.

Labcorp Genetics (formerly Invitae), Labcorp
Classification: Uncertain significance for Tuberous sclerosis 2. Last evaluated: 2022-02-28. Review status: criteria provided, single submitter. Criteria: Invitae Variant Classification Sherloc (09022015). Collection method: clinical testing. Allele origin: germline.
Comment: This variant is not present in population databases (gnomAD no frequency). This sequence change replaces leucine, which is neutral and non-polar, with isoleucine, which is neutral and non-polar, at codon 1581 of the TSC2 protein (p.Leu1581Ile). This variant has not been reported in the literature in individuals affected with TSC2-related conditions. In summary, the available evidence is currently insufficient to determine the role of this variant in disease. Therefore, it has been classified as a Variant of Uncertain Significance. Advanced modeling of protein sequence and biophysical properties (such as structural, functional, and spatial information, amino acid conservation, physicochemical variation, residue mobility, and thermodynamic stability) performed at Invitae indicates that this missense variant is not expected to disrupt TSC2 protein function.